The following is an entry in ClinVar:

ClinVar aggregate classification (germline): Likely benign. Review status: criteria provided, single submitter (1 of 4 stars). 2 submissions from 2 submitters: Likely benign (1). 1 of the submissions does not count toward it. Last evaluated 2024-11-21.

Conditions:
FAM83H-related disorder. Also called: FAM83H-related condition.

Allele frequency attached by ClinVar (database versions not stated): 1000 Genomes Project 30x 0.00016; 1000 Genomes Project 0.00020; ExAC 0.00030; TOPMed 0.00039; gnomAD exomes 0.00081; gnomAD 0.00094.
gnomAD v4.1: 1,254 of 1,548,432 alleles (0.081%); highest among the groups gnomAD compares: Non-Finnish European, 0.073%; 3 homozygotes.

Submissions (2):

Blueprint Genetics
Classification: Likely benign. Last evaluated: 2024-11-21. Review status: criteria provided, single submitter. Criteria: ACMG Guidelines, 2015. Collection method: clinical testing. Allele origin: germline.

PreventionGenetics, part of Exact Sciences
Classification: Benign for FAM83H-related condition. Last evaluated: 2020-07-27. Review status: no assertion criteria provided. Collection method: clinical testing. Allele origin: germline. Not counted in ClinVar's aggregate classification.
Comment: This variant is classified as benign based on ACMG/AMP sequence variant interpretation guidelines (Richards et al. 2015 PMID: 25741868, with internal and published modifications).

NM_198488.5(SACK1H):c.1042C>T (p.Arg348Cys)

Gene: SACK1H (scaffolding CK1 anchoring protein H; minus strand). Cytogenetic location: 8q24.3.
Variant type: single nucleotide variant.
Coding change: c.1042C>T on transcript NM_198488.5 (MANE Select); coding-DNA position 1042, C replaced by T.
Protein change: p.Arg348Cys; replaces arginine 348 with cysteine.
Molecular consequence: missense variant.
Genome position (GRCh38, 1-based): chr8:143,728,419, G>A on the plus strand (C>T on the coding strand, the complement: SACK1H is on the minus strand). VCF-style: chr8-143728419-G-A. GRCh37 (hg19) VCF-style: chr8-144810589-G-A.
Other names: short protein forms R348C.
Identifiers: ClinVar variation 3047415 (VCV003047415.3), dbSNP rs568621365, ClinGen allele CA4917533.
Genomic context (GRCh38, chr8:143,728,419, plus strand): 5'-CCAGCGCGCCCCCCGGCATCCGCGGCGGCTCCTCCCGGCGGAAGGCCGACAGGAAGTGGC[G>A]GTCCGGGTCGAGGAAGGAGGGGAAGCCCAGGCCCTCTTCCCGGGGTGGCGGGAACAGGAG-3'
Protein context (NP_940890.4, residues 338-358): LGFPSFLDPD[Arg348Cys]HFLSAFRREE